The following is an entry in ClinVar:

NM_003954.5(MAP3K14):c.64C>T (p.Leu22Phe)

Gene: MAP3K14 (mitogen-activated protein kinase kinase kinase 14; minus strand). Cytogenetic location: 17q21.31.
Variant type: single nucleotide variant.
Coding change: c.64C>T on transcript NM_003954.5 (MANE Select); coding-DNA position 64, C replaced by T.
Protein change: p.Leu22Phe; replaces leucine 22 with phenylalanine.
Molecular consequence: missense variant.
Genome position (GRCh38, 1-based): chr17:45,290,682, G>A on the plus strand (C>T on the coding strand, the complement: MAP3K14 is on the minus strand). VCF-style: chr17-45290682-G-A. GRCh37 (hg19) VCF-style: chr17-43368048-G-A.
Other names: short protein forms L22F.
Identifiers: ClinVar variation 863270 (VCV000863270.8), dbSNP rs748799109, ClinGen allele CA8614457.

ClinVar aggregate classification (germline): Uncertain significance (1 of 4 stars; one submission).

Conditions:
NIK deficiency. Also called: Primary immunodeficiency with multifaceted aberrant lymphoid immunity. Identifiers: Orphanet 447731, MedGen C5680065, MONDO:0018642.

Allele frequency attached by ClinVar (database versions not stated): gnomAD exomes below 0.00001; ExAC 0.00001.
gnomAD v4.1: 1 of 1,613,388 alleles (0.000062%); highest among the groups gnomAD compares: Non-Finnish European, 0.000085%; no homozygotes.

Submission:

Labcorp Genetics (formerly Invitae), Labcorp
Classification: Uncertain significance for NIK deficiency. Last evaluated: 2019-03-22. Review status: criteria provided, single submitter. Criteria: Invitae Variant Classification Sherloc (09022015). Collection method: clinical testing. Allele origin: germline.
Comment: This sequence change replaces leucine with phenylalanine at codon 22 of the MAP3K14 protein (p.Leu22Phe). The leucine residue is highly conserved and there is a small physicochemical difference between leucine and phenylalanine. This variant has not been reported in the literature in individuals with MAP3K14-related conditions. This variant is present in population databases (rs748799109, ExAC 0.001%). In summary, the available evidence is currently insufficient to determine the role of this variant in disease. Therefore, it has been classified as a Variant of Uncertain Significance. Algorithms developed to predict the effect of missense changes on protein structure and function (SIFT, PolyPhen-2, Align-GVGD) all suggest that this variant is likely to be tolerated, but these predictions have not been confirmed by published functional studies and their clinical significance is uncertain.